The following is an entry in ClinVar:

ClinVar aggregate classification (germline): Uncertain significance (1 of 4 stars; one submission).

Allele frequency attached by ClinVar (database versions not stated): gnomAD exomes below 0.00001; TOPMed below 0.00001; ExAC 0.00001.
gnomAD v4.1: 6 of 1,614,176 alleles (0.00037%); highest among the groups gnomAD compares: Admixed American, 0.0017%; no homozygotes.

Submission:

Labcorp Genetics (formerly Invitae), Labcorp
Classification: Uncertain significance. Last evaluated: 2024-10-17. Review status: criteria provided, single submitter. Criteria: Invitae Variant Classification Sherloc (09022015). Collection method: clinical testing. Allele origin: germline.
Comment: This sequence change replaces glutamic acid, which is acidic and polar, with lysine, which is basic and polar, at codon 86 of the SFTPC protein (p.Glu86Lys). This variant is present in population databases (rs754831645, gnomAD 0.003%). This variant has not been reported in the literature in individuals affected with SFTPC-related conditions. An algorithm developed to predict the effect of missense changes on protein structure and function (PolyPhen-2) suggests that this variant is likely to be tolerated. In summary, the available evidence is currently insufficient to determine the role of this variant in disease. Therefore, it has been classified as a Variant of Uncertain Significance.

NM_001317778.2(SFTPC):c.256G>A (p.Glu86Lys)

Gene: SFTPC (surfactant protein C; plus strand). Cytogenetic location: 8p21.3.
Variant type: single nucleotide variant.
Coding change: c.256G>A on transcript NM_001317778.2 (MANE Select); coding-DNA position 256, G replaced by A.
Protein change: p.Glu86Lys; replaces glutamic acid 86 with lysine.
Molecular consequence: missense variant.
Genome position (GRCh38, 1-based): chr8:22,163,134, G>A. VCF-style: chr8-22163134-G-A. GRCh37 (hg19) VCF-style: chr8-22020647-G-A.
Other names: c.256G>A, p.Glu86Lys (NM_001172357.2, NM_001172410.2, NM_001317780.2 and 8 more transcripts); c.97G>A, p.Glu33Lys (NM_001317779.2, NM_001385660.1); short protein forms E86K, E33K.
Identifiers: ClinVar variation 3015610 (VCV003015610.3), dbSNP rs754831645, ClinGen allele CA4663946.